The following is an entry in ClinVar:

NC_000013.10:g.(?_32945087)_(32945243_?)dup

Gene: BRCA2 (BRCA2 DNA repair associated; plus strand). Cytogenetic location: 13q13.1.
Variant type: Duplication.
Identifiers: ClinVar variation 584008 (VCV000584008.1).

ClinVar aggregate classification (germline): Likely pathogenic (1 of 4 stars; one submission).

Conditions:
Hereditary breast ovarian cancer syndrome. Also called: Hereditary breast and ovarian cancer syndrome; Hereditary breast and/or ovarian cancer syndrome; Hereditary breast and ovarian cancer syndrome (HBOC); Breast and ovarian cancer; BRCA1- and BRCA2-Associated Hereditary Breast and Ovarian Cancer; Hereditary breast and ovarian cancer. Identifiers: Orphanet 145, MedGen C0677776, MeSH D061325, MONDO:0003582. Disease mechanism: loss of function.

Submission:

Labcorp Genetics (formerly Invitae), Labcorp
Classification: Likely pathogenic for Hereditary breast and ovarian cancer syndrome. Last evaluated: 2018-03-07. Review status: criteria provided, single submitter. Criteria: Invitae Variant Classification Sherloc (09022015). Collection method: clinical testing. Allele origin: germline.
Comment: This variant is a gross duplication of the genomic region encompassing exon 20 of the BRCA2 gene. While the exact position of the duplicated exon cannot be determined from this data, sub-genic duplications are generally in tandem (PMID: 25640679) and may result in an absent or disrupted protein product. Similar duplications of exon 20 have been reported in families affected with breast cancer (PMID: 17063271). ClinVar contains an entry for this variant (Variation ID: 267699). Loss-of-function variants in BRCA2 are known to be pathogenic (PMID: 20104584). In summary, the currently available evidence indicates that the variant is pathogenic, but additional data are needed to prove that conclusively. Therefore, this variant has been classified as Likely Pathogenic.

Literature cited by the submitters: PubMed 17063271.